The following is an entry in ClinVar:

NM_000361.3(THBD):c.323T>G (p.Phe108Cys)

Gene: THBD (thrombomodulin; minus strand). Cytogenetic location: 20p11.21.
Variant type: single nucleotide variant.
Coding change: c.323T>G on transcript NM_000361.3 (MANE Select); coding-DNA position 323, T replaced by G.
Protein change: p.Phe108Cys; replaces phenylalanine 108 with cysteine.
Molecular consequence: missense variant.
Genome position (GRCh38, 1-based): chr20:23,049,182, A>C on the plus strand (T>G on the coding strand, the complement: THBD is on the minus strand). VCF-style: chr20-23049182-A-C. GRCh37 (hg19) VCF-style: chr20-23029819-A-C.
Other names: short protein forms F108C.
Identifiers: ClinVar variation 1943336 (VCV001943336.5), dbSNP rs2515205559, ClinGen allele CA408407934.

ClinVar aggregate classification (germline): Uncertain significance (1 of 4 stars; one submission).

Submission:

Labcorp Genetics (formerly Invitae), Labcorp
Classification: Uncertain significance. Last evaluated: 2022-02-02. Review status: criteria provided, single submitter. Criteria: Invitae Variant Classification Sherloc (09022015). Collection method: clinical testing. Allele origin: germline.
Comment: In summary, the available evidence is currently insufficient to determine the role of this variant in disease. Therefore, it has been classified as a Variant of Uncertain Significance. Algorithms developed to predict the effect of missense changes on protein structure and function are either unavailable or do not agree on the potential impact of this missense change (SIFT: "Deleterious"; PolyPhen-2: "Probably Damaging"; Align-GVGD: "Class C0"). This variant has not been reported in the literature in individuals affected with THBD-related conditions. This variant is not present in population databases (gnomAD no frequency). This sequence change replaces phenylalanine, which is neutral and non-polar, with cysteine, which is neutral and slightly polar, at codon 108 of the THBD protein (p.Phe108Cys).